The following is an entry in ClinVar:

NM_001145358.2(SIN3A):c.1738-1G>A

Gene: SIN3A (SIN3 transcription regulator family member A; minus strand). Cytogenetic location: 15q24.2.
Variant type: single nucleotide variant.
Coding change: c.1738-1G>A on transcript NM_001145358.2 (MANE Select); the canonical splice acceptor site of the intron before coding-DNA position 1738, G replaced by A.
Molecular consequence: splice acceptor variant.
Genome position (GRCh38, 1-based): chr15:75,400,157, C>T on the plus strand (G>A on the coding strand, the complement: SIN3A is on the minus strand). VCF-style: chr15-75400157-C-T. GRCh37 (hg19) VCF-style: chr15-75692498-C-T.
Other names: c.1738-1G>A (NM_001145357.2, NM_015477.3).
Identifiers: ClinVar variation 489312 (VCV000489312.2), dbSNP rs1555444809, ClinGen allele CA393497868.

ClinVar aggregate classification (germline): Likely pathogenic (1 of 4 stars; one submission).

Submission:

GeneDx
Classification: Likely pathogenic. Last evaluated: 2017-12-22. Review status: criteria provided, single submitter. Criteria: GeneDx Variant Classification (06012015). Collection method: clinical testing. Allele origin: germline. Affected: yes.
Comment: The c.1738-1G>A variant in the SIN3A gene has not been reported previously as a pathogenic variant nor as a benign variant, to our knowledge. This splice site variant destroys the canonical splice acceptor site in intron 11, which is predicted to cause abnormal gene splicing. The c.1738-1G>A variant is not observed in large population cohorts (Lek et al., 2016). We interpret c.1738-1G>A as a likely pathogenic variant.